The following is an entry in ClinVar:

ClinVar aggregate classification (germline): Uncertain significance (1 of 4 stars; one submission).

Conditions:
Leber congenital amaurosis 13 (LCA13). Identifiers: MedGen C2675186, MONDO:0012990, OMIM 612712.

Submission:

Labcorp Genetics (formerly Invitae), Labcorp
Classification: Uncertain significance for Leber congenital amaurosis 13. Last evaluated: 2023-12-18. Review status: criteria provided, single submitter. Criteria: Invitae Variant Classification Sherloc (09022015). Collection method: clinical testing. Allele origin: germline.
Comment: This sequence change replaces alanine, which is neutral and non-polar, with valine, which is neutral and non-polar, at codon 199 of the RDH12 protein (p.Ala199Val). This variant is not present in population databases (gnomAD no frequency). This variant has not been reported in the literature in individuals affected with RDH12-related conditions. Advanced modeling of protein sequence and biophysical properties (such as structural, functional, and spatial information, amino acid conservation, physicochemical variation, residue mobility, and thermodynamic stability) performed at Invitae indicates that this missense variant is not expected to disrupt RDH12 protein function with a negative predictive value of 80%. In summary, the available evidence is currently insufficient to determine the role of this variant in disease. Therefore, it has been classified as a Variant of Uncertain Significance.

NM_152443.3(RDH12):c.596C>T (p.Ala199Val)

Genes: RDH12 (retinol dehydrogenase 12; plus strand), GPHN (gephyrin; plus strand). Cytogenetic location: 14q24.1.
Variant type: single nucleotide variant.
Coding change: c.596C>T on transcript NM_152443.3 (MANE Select); coding-DNA position 596, C replaced by T.
Protein change: p.Ala199Val; replaces alanine 199 with valine.
Molecular consequence: missense variant.
Genome position (GRCh38, 1-based): chr14:67,727,128, C>T. VCF-style: chr14-67727128-C-T. GRCh37 (hg19) VCF-style: chr14-68193845-C-T.
Other names: short protein forms A199V.
Identifiers: ClinVar variation 2703807 (VCV002703807.3), dbSNP rs2503812479, ClinGen allele CA390151420.